The following is an entry in ClinVar:

NM_000465.4(BARD1):c.1099T>A (p.Ser367Thr)

Gene: BARD1 (BRCA1 associated RING domain 1; minus strand). Cytogenetic location: 2q35.
Variant type: single nucleotide variant.
Coding change: c.1099T>A on transcript NM_000465.4 (MANE Select); coding-DNA position 1099, T replaced by A.
Protein change: p.Ser367Thr; replaces serine 367 with threonine.
Molecular consequence: missense variant. On other transcripts: non-coding transcript variant (2), intron variant (3).
Genome position (GRCh38, 1-based): chr2:214,780,775, A>T on the plus strand (T>A on the coding strand, the complement: BARD1 is on the minus strand). VCF-style: chr2-214780775-A-T. GRCh37 (hg19) VCF-style: chr2-215645499-A-T.
Other names: c.1042T>A, p.Ser348Thr (NM_001282543.2); c.159-28220T>A (NM_001282548.2); c.215+16286T>A (NM_001282545.2); c.364+11522T>A (NM_001282549.2); c.1099T>A (NM_000465.2); short protein forms S348T, S367T.
Identifiers: ClinVar variation 921985 (VCV000921985.15), dbSNP rs1694961543, ClinGen allele CA350454061.
Genomic context (GRCh38, chr2:214,780,775, plus strand): 5'-ATTCATCGGACATGTTACTGTTTTTCCTCCCTGATGTACCACCAACTTTACGTTTGCATG[A>T]AGGTGGTGAAGAACATTCAGGCAATGGTATATTTTCTGAGGGCACCGTTTGCTTAACAAA-3'
Protein context (NP_000456.2, residues 357-377): IPLPECSSPP[Ser367Thr]CKRKVGGTSG

ClinVar aggregate classification (germline): Uncertain significance. Review status: criteria provided, multiple submitters, no conflicts (2 of 4 stars). 3 submissions from 3 submitters: Uncertain significance (3). Last evaluated 2025-08-18.

Conditions:
Familial cancer of breast. Also called: BREAST CANCER, FAMILIAL; hereditary breast carcinoma; Hereditary breast cancer. Identifiers: Orphanet 227535, MedGen C0346153, MONDO:0016419, OMIM 114480. Disease mechanism: loss of function.
Hereditary cancer-predisposing syndrome. Also called: Neoplastic Syndromes, Hereditary; Tumor predisposition; Hereditary Cancer Syndrome; Hereditary neoplastic syndrome. Identifiers: Orphanet 140162, MedGen C0027672, MeSH D009386, MONDO:0015356.

Allele frequency attached by ClinVar (database versions not stated): gnomAD exomes below 0.00001.
gnomAD v4.1: 1 of 1,613,840 alleles (0.000062%); highest among the groups gnomAD compares: Non-Finnish European, 0.000085%; no homozygotes.

Submissions (3):

Labcorp Genetics (formerly Invitae), Labcorp
Classification: Uncertain significance for Familial cancer of breast. Last evaluated: 2025-08-18. Review status: criteria provided, single submitter. Criteria: Invitae Variant Classification Sherloc (09022015). Collection method: clinical testing. Allele origin: germline.
Comment: This sequence change replaces serine, which is neutral and polar, with threonine, which is neutral and polar, at codon 367 of the BARD1 protein (p.Ser367Thr). This variant is not present in population databases (gnomAD no frequency). This variant has not been reported in the literature in individuals affected with BARD1-related conditions. ClinVar contains an entry for this variant (Variation ID: 921985). An algorithm developed to predict the effect of missense changes on protein structure and function outputs the following: PolyPhen-2: "Benign". The threonine amino acid residue is found in multiple mammalian species, which suggests that this missense change does not adversely affect protein function. In summary, the available evidence is currently insufficient to determine the role of this variant in disease. Therefore, it has been classified as a Variant of Uncertain Significance.

Ambry Genetics
Classification: Uncertain significance for Hereditary cancer-predisposing syndrome. Last evaluated: 2023-09-18. Review status: criteria provided, single submitter. Criteria: Ambry Variant Classification Scheme 2023. Collection method: clinical testing. Allele origin: germline.
Comment: The p.S367T variant (also known as c.1099T>A), located in coding exon 4 of the BARD1 gene, results from a T to A substitution at nucleotide position 1099. The serine at codon 367 is replaced by threonine, an amino acid with similar properties. This alteration was identified in a family that underwent whole exome sequencing due to early-onset colorectal cancer; it was identified in three individuals with colorectal cancer, an individual with early-onset breast cancer as well as three cancer-free individuals in the family (Bellido F et al. Gastroenterology, 2018 01;154:181-194.e20). This amino acid position is not well conserved in available vertebrate species. In addition, this alteration is predicted to be tolerated by in silico analysis. Since supporting evidence is limited at this time, the clinical significance of this alteration remains unclear.

Color Diagnostics, LLC DBA Color Health
Classification: Uncertain significance for Hereditary cancer-predisposing syndrome. Last evaluated: 2020-01-02. Review status: criteria provided, single submitter. Criteria: ACMG Guidelines, 2015. Collection method: clinical testing. Allele origin: germline.
Comment: This missense variant replaces serine with threonine at codon 367 of the BARD1 protein. Computational prediction suggests that this variant may not impact protein structure and function (internally defined REVEL score threshold <= 0.5, PMID: 27666373). Splice site prediction tools suggest that this variant may not impact RNA splicing. To our knowledge, functional studies have not been performed for this variant. This variant has been reported in the literature in several individuals from one family affected with colorectal cancer and breast cancer, however the variant was also observed in 3 unaffected individuals in this family (PMID 28912018). This variant has not been identified in the general population by the Genome Aggregation Database (gnomAD). The available evidence is insufficient to determine the role of this variant in disease conclusively. Therefore, this variant is classified as a Variant of Uncertain Significance.

Literature cited by the submitters: PubMed 28912018 (cited by Ambry Genetics).